The following is an entry in ClinVar:

ClinVar aggregate classification (germline): Uncertain significance. Review status: criteria provided, multiple submitters, no conflicts (2 of 4 stars). 2 submissions from 2 submitters: Uncertain significance (2). Last evaluated 2023-11-24.

Conditions:
Hereditary cancer-predisposing syndrome. Also called: Hereditary neoplastic syndrome; Neoplastic Syndromes, Hereditary; Tumor predisposition; Hereditary Cancer Syndrome. Identifiers: Orphanet 140162, MedGen C0027672, MeSH D009386, MONDO:0015356.
Oligodontia-cancer predisposition syndrome. Also called: TOOTH AGENESIS-COLORECTAL CANCER SYNDROME. Identifiers: Orphanet 300576, MedGen C1837750, MONDO:0012075, OMIM 608615. Disease mechanism: loss of function.

Allele frequency attached by ClinVar (database versions not stated): TOPMed below 0.00001; gnomAD 0.00001.
gnomAD v4.1: 1 of 1,613,916 alleles (0.000062%); highest among the groups gnomAD compares: Non-Finnish European, 0.000085%; no homozygotes.

Submissions (2):

Labcorp Genetics (formerly Invitae), Labcorp
Classification: Uncertain significance for Oligodontia-cancer predisposition syndrome. Last evaluated: 2023-11-24. Review status: criteria provided, single submitter. Criteria: Invitae Variant Classification Sherloc (09022015). Collection method: clinical testing. Allele origin: germline.
Comment: This sequence change replaces lysine, which is basic and polar, with glutamic acid, which is acidic and polar, at codon 360 of the AXIN2 protein (p.Lys360Glu). This variant is not present in population databases (gnomAD no frequency). This variant has not been reported in the literature in individuals affected with AXIN2-related conditions. ClinVar contains an entry for this variant (Variation ID: 946373). Advanced modeling of protein sequence and biophysical properties (such as structural, functional, and spatial information, amino acid conservation, physicochemical variation, residue mobility, and thermodynamic stability) has been performed at Invitae for this missense variant, however the output from this modeling did not meet the statistical confidence thresholds required to predict the impact of this variant on AXIN2 protein function. In summary, the available evidence is currently insufficient to determine the role of this variant in disease. Therefore, it has been classified as a Variant of Uncertain Significance.

Ambry Genetics
Classification: Uncertain significance for Hereditary cancer-predisposing syndrome. Last evaluated: 2020-01-08. Review status: criteria provided, single submitter. Criteria: Ambry Variant Classification Scheme 2023. Collection method: clinical testing. Allele origin: germline.
Comment: The p.K360E variant (also known as c.1078A>G), located in coding exon 4 of the AXIN2 gene, results from an A to G substitution at nucleotide position 1078. The lysine at codon 360 is replaced by glutamic acid, an amino acid with similar properties. This amino acid position is highly conserved in available vertebrate species. In addition, the in silico prediction for this alteration is inconclusive. Since supporting evidence is limited at this time, the clinical significance of this alteration remains unclear.

NM_004655.4(AXIN2):c.1078A>G (p.Lys360Glu)

Gene: AXIN2 (axin 2; minus strand). Cytogenetic location: 17q24.1.
Variant type: single nucleotide variant.
Coding change: c.1078A>G on transcript NM_004655.4 (MANE Select); coding-DNA position 1078, A replaced by G.
Protein change: p.Lys360Glu; replaces lysine 360 with glutamic acid.
Molecular consequence: missense variant.
Genome position (GRCh38, 1-based): chr17:65,538,325, T>C on the plus strand (A>G on the coding strand, the complement: AXIN2 is on the minus strand). VCF-style: chr17-65538325-T-C. GRCh37 (hg19) VCF-style: chr17-63534443-T-C.
Other names: c.1078A>G, p.Lys360Glu (NM_001363813.1); short protein forms K360E.
Identifiers: ClinVar variation 946373 (VCV000946373.12), dbSNP rs1377592999, ClinGen allele CA400678578.